The following is an entry in ClinVar:

NM_153638.4(PANK2):c.280C>A (p.Arg94Ser)

Genes: PANK2 (pantothenate kinase 2; plus strand), LOC130065345 (ATAC-STARR-seq lymphoblastoid silent region 12635; plus strand). Cytogenetic location: 20p13.
Variant type: single nucleotide variant.
Coding change: c.280C>A on transcript NM_153638.4; coding-DNA position 280, C replaced by A.
Protein change: p.Arg94Ser; replaces arginine 94 with serine.
Molecular consequence: missense variant. On other transcripts: intron variant (1).
Genome position (GRCh38, 1-based): chr20:3,889,380, C>A. VCF-style: chr20-3889380-C-A. GRCh37 (hg19) VCF-style: chr20-3870027-C-A.
Other names: c.280C>A, p.Arg94Ser (NM_001324192.1); c.-246+476C>A (NM_024960.6); short protein forms R94S.
Identifiers: ClinVar variation 2040245 (VCV002040245.4), dbSNP rs199680057, ClinGen allele CA9750524.

ClinVar aggregate classification (germline): Uncertain significance. Review status: criteria provided, multiple submitters, no conflicts (2 of 4 stars). 2 submissions from 2 submitters: Uncertain significance (2). Last evaluated 2023-10-15.

Conditions:
Pigmentary pallidal degeneration (NBIA1). Also called: Neurodegeneration with brain iron accumulation 1; PKAN NEUROAXONAL DYSTROPHY, JUVENILE-ONSET; Pantothenate Kinase-Associated Neurodegeneration; Neuroaxonal dystrophy, late infantile; Hallervorden-Spatz disease; HARP SYNDROME. Identifiers: Orphanet 157850, MedGen C0018523, MONDO:0009319, OMIM 234200.

gnomAD v4.1: 2 of 1,574,680 alleles (0.00013%); highest among the groups gnomAD compares: East Asian, 0.0023%; no homozygotes.

Submissions (2):

Labcorp Genetics (formerly Invitae), Labcorp
Classification: Uncertain significance for Pigmentary pallidal degeneration. Last evaluated: 2023-10-15. Review status: criteria provided, single submitter. Criteria: Invitae Variant Classification Sherloc (09022015). Collection method: clinical testing. Allele origin: germline.
Comment: This sequence change replaces arginine, which is basic and polar, with serine, which is neutral and polar, at codon 94 of the PANK2 protein (p.Arg94Ser). This variant is present in population databases (rs199680057, gnomAD 0.008%). This variant has not been reported in the literature in individuals affected with PANK2-related conditions. ClinVar contains an entry for this variant (Variation ID: 2040245). Advanced modeling of protein sequence and biophysical properties (such as structural, functional, and spatial information, amino acid conservation, physicochemical variation, residue mobility, and thermodynamic stability) performed at Invitae indicates that this missense variant is not expected to disrupt PANK2 protein function. In summary, the available evidence is currently insufficient to determine the role of this variant in disease. Therefore, it has been classified as a Variant of Uncertain Significance.

Blueprint Genetics
Classification: Uncertain significance. Last evaluated: 2020-11-05. Review status: criteria provided, single submitter. Criteria: ACMG Guidelines, 2015. Collection method: clinical testing. Allele origin: germline.